The following is an entry in ClinVar:

ClinVar aggregate classification (germline): Uncertain significance (1 of 4 stars; one submission).

gnomAD v4.1: 3 of 1,612,724 alleles (0.00019%); highest among the groups gnomAD compares: Middle Eastern, 0.033%; no homozygotes.

Submission:

Women's Health and Genetics/Laboratory Corporation of America, LabCorp
Classification: Uncertain significance. Last evaluated: 2025-06-26. Review status: criteria provided, single submitter. Criteria: LabCorp Variant Classification Summary - May 2015. Collection method: clinical testing. Allele origin: germline.
Comment: Variant summary: OBSL1 c.3605C>G (p.Ala1202Gly) results in a non-conservative amino acid change in the encoded protein sequence. Algorithms developed to predict the effect of missense changes on protein structure and function are either unavailable or do not agree on the potential impact of this missense change. The variant was absent in 242560 control chromosomes. The available data on variant occurrences in the general population are insufficient to allow any conclusion about variant significance. To our knowledge, no occurrence of c.3605C>G in individuals affected with Three M Syndrome 2 and no experimental evidence demonstrating its impact on protein function have been reported. No submitters have cited clinical-significance assessments for this variant to ClinVar. Based on the evidence outlined above, the variant was classified as uncertain significance.

NM_015311.3(OBSL1):c.3605C>G (p.Ala1202Gly)

Gene: OBSL1 (obscurin like cytoskeletal adaptor 1; minus strand). Cytogenetic location: 2q35.
Variant type: single nucleotide variant.
Coding change: c.3605C>G on transcript NM_015311.3 (MANE Select); coding-DNA position 3605, C replaced by G.
Protein change: p.Ala1202Gly; replaces alanine 1202 with glycine.
Molecular consequence: missense variant.
Genome position (GRCh38, 1-based): chr2:219,558,008, G>C on the plus strand (C>G on the coding strand, the complement: OBSL1 is on the minus strand). VCF-style: chr2-219558008-G-C. GRCh37 (hg19) VCF-style: chr2-220422730-G-C.
Other names: c.3605C>G, p.Ala1202Gly (NM_001173431.2); short protein forms A1202G.
Identifiers: ClinVar variation 3907524 (VCV003907524.1).
Genomic context (GRCh38, chr2:219,558,008, plus strand): 5'-TGGAGCTCTAGGCCCTCGCCCTCCTGCACGGGCCTCCCATTGTGGCTCCAGACCACGGGG[G>C]CGCCAGCCCGGGACAGTTCACAGCTCAGCACCACTGGCTCCCCAGGGGCCACACAGAGCG-3'
Protein context (NP_056126.1, residues 1192-1212): VLSCELSRAG[Ala1202Gly]PVVWSHNGRP